The following is an entry in ClinVar:

NM_001371928.1(AHDC1):c.1176C>G (p.Ile392Met)

Gene: AHDC1 (AT-hook DNA binding motif containing 1; minus strand). Cytogenetic location: 1p36.11.
Variant type: single nucleotide variant.
Coding change: c.1176C>G on transcript NM_001371928.1 (MANE Select); coding-DNA position 1176, C replaced by G.
Protein change: p.Ile392Met; replaces isoleucine 392 with methionine.
Molecular consequence: missense variant.
Genome position (GRCh38, 1-based): chr1:27,550,940, G>C on the plus strand (C>G on the coding strand, the complement: AHDC1 is on the minus strand). VCF-style: chr1-27550940-G-C. GRCh37 (hg19) VCF-style: chr1-27877451-G-C.
Other names: c.1176C>G, p.Ile392Met (NM_001029882.3); short protein forms I392M.
Identifiers: ClinVar variation 3623602 (VCV003623602.2).
Genomic context (GRCh38, chr1:27,550,940, plus strand): 5'-GCGGCCCTCGGGTCCGGCGTCTGCCTTGCGTCCCCGTCCGGCTTTCCGCCGGCGACACAG[G>C]ATCTTTGGCCTATCAGTGCGCCGCAAGGCGTACTTGGGGTGACCCTCAGGCCCGGGGGGG-3'
Protein context (NP_001358857.1, residues 382-402): YALRRTDRPK[Ile392Met]LCRRRKAGRG

ClinVar aggregate classification (germline): Uncertain significance (1 of 4 stars; one submission).

Submission:

Labcorp Genetics (formerly Invitae), Labcorp
Classification: Uncertain significance. Last evaluated: 2024-03-06. Review status: criteria provided, single submitter. Criteria: Invitae Variant Classification Sherloc (09022015). Collection method: clinical testing. Allele origin: germline.
Comment: This sequence change replaces isoleucine, which is neutral and non-polar, with methionine, which is neutral and non-polar, at codon 392 of the AHDC1 protein (p.Ile392Met). This variant is not present in population databases (gnomAD no frequency). This variant has not been reported in the literature in individuals affected with AHDC1-related conditions. An algorithm developed to predict the effect of missense changes on protein structure and function (PolyPhen-2) suggests that this variant is likely to be disruptive. In summary, the available evidence is currently insufficient to determine the role of this variant in disease. Therefore, it has been classified as a Variant of Uncertain Significance.